The following is an entry in ClinVar:

NM_001002295.2(GATA3):c.774dup (p.Thr259fs)

Gene: GATA3 (GATA binding protein 3; plus strand). Cytogenetic location: 10p14.
Variant type: Duplication.
Coding change: c.774dup on transcript NM_001002295.2 (MANE Select); coding-DNA position 774, one base duplicated (C; older notation c.774dupC).
Protein change: p.Thr259fs; shifts the reading frame from threonine 259.
Molecular consequence: frameshift variant.
Genome position (GRCh38, 1-based): chr10:8,058,837, C duplicated. VCF-style (leftmost placement, unchanged base first): chr10-8058836-G-GC. GRCh37 (hg19) VCF-style: chr10-8100799-G-GC.
Other names: c.774dup, p.Thr259fs (NM_002051.3); short protein forms T259fs.
Identifiers: ClinVar variation 1365325 (VCV001365325.6), dbSNP rs2131491388, ClinGen allele CA2573145637.
Genomic context (GRCh38, chr10:8,058,836, plus strand): 5'-GCCTGCTGGGCGGCTCCCCCACCGGCTTCGGATGCAAGTCCAGGCCCAAGGCCCGGTCCA[G>GC]CACAGGTAGGAGCCAGCTCTTCCCTGGAGCCTTTTCTCCTCCCTCCTCCCCTTTTCCTCA-3'

ClinVar aggregate classification (germline): Pathogenic (1 of 4 stars; one submission).

Submission:

Labcorp Genetics (formerly Invitae), Labcorp
Classification: Pathogenic. Last evaluated: 2021-11-13. Review status: criteria provided, single submitter. Criteria: Invitae Variant Classification Sherloc (09022015). Collection method: clinical testing. Allele origin: germline.
Comment: For these reasons, this variant has been classified as Pathogenic. This variant has not been reported in the literature in individuals affected with GATA3-related conditions. This variant is not present in population databases (gnomAD no frequency). This sequence change creates a premature translational stop signal (p.Thr259Hisfs*45) in the GATA3 gene. It is expected to result in an absent or disrupted protein product. Loss-of-function variants in GATA3 are known to be pathogenic (PMID: 14985365, 21242646).

Literature cited by the submitters: PubMed 14985365; PubMed 21242646.